The following is an entry in ClinVar:

NM_003072.5(SMARCA4):c.2605A>G (p.Ile869Val)

Gene: SMARCA4 (SWI/SNF related BAF chromatin remodeling complex subunit ATPase 4; plus strand). Cytogenetic location: 19p13.2.
Variant type: single nucleotide variant.
Coding change: c.2605A>G on transcript NM_003072.5 (MANE Select); coding-DNA position 2605, A replaced by G.
Protein change: p.Ile869Val; replaces isoleucine 869 with valine.
Molecular consequence: missense variant. On other transcripts: non-coding transcript variant (1).
Genome position (GRCh38, 1-based): chr19:11,019,690, A>G. VCF-style: chr19-11019690-A-G. GRCh37 (hg19) VCF-style: chr19-11130366-A-G.
Other names: c.2605A>G, p.Ile869Val (NM_001128844.3, NM_001128845.2, NM_001128846.2 and 5 more transcripts); short protein forms I869V.
Identifiers: ClinVar variation 1467341 (VCV001467341.6), dbSNP rs2146376383, ClinGen allele CA404054772.

ClinVar aggregate classification (germline): Uncertain significance (1 of 4 stars; one submission).

Conditions:
Rhabdoid tumor predisposition syndrome 2 (RTPS2). Identifiers: Orphanet 231108, Orphanet 69077, MedGen C2750074, MONDO:0013224, OMIM 613325.

Submission:

Labcorp Genetics (formerly Invitae), Labcorp
Classification: Uncertain significance for Rhabdoid tumor predisposition syndrome 2. Last evaluated: 2021-09-29. Review status: criteria provided, single submitter. Criteria: Invitae Variant Classification Sherloc (09022015). Collection method: clinical testing. Allele origin: germline.
Comment: In summary, the available evidence is currently insufficient to determine the role of this variant in disease. Therefore, it has been classified as a Variant of Uncertain Significance. Algorithms developed to predict the effect of missense changes on protein structure and function (SIFT, PolyPhen-2, Align-GVGD) all suggest that this variant is likely to be tolerated. This variant has not been reported in the literature in individuals affected with SMARCA4-related conditions. This variant is not present in population databases (ExAC no frequency). This sequence change replaces isoleucine with valine at codon 869 of the SMARCA4 protein (p.Ile869Val). The isoleucine residue is moderately conserved and there is a small physicochemical difference between isoleucine and valine.